The following is an entry in ClinVar:

NM_001540.5(HSPB1):c.250G>A (p.Gly84Arg)

Gene: HSPB1 (heat shock protein family B (small) member 1; plus strand). Cytogenetic location: 7q11.23.
Variant type: single nucleotide variant.
Coding change: c.250G>A on transcript NM_001540.5 (MANE Select); coding-DNA position 250, G replaced by A.
Protein change: p.Gly84Arg; replaces glycine 84 with arginine.
Molecular consequence: missense variant.
Genome position (GRCh38, 1-based): chr7:76,302,962, G>A. VCF-style: chr7-76302962-G-A. GRCh37 (hg19) VCF-style: chr7-75932279-G-A.
Other names: c.250G>A (LRG_248t1); short protein forms G84R.
Identifiers: ClinVar variation 632006 (VCV000632006.18), dbSNP rs770272088, ClinGen allele CA367763201.

ClinVar aggregate classification (germline): Pathogenic/Likely pathogenic. Review status: criteria provided, multiple submitters, no conflicts (2 of 4 stars). 8 submissions from 7 submitters: Pathogenic (4); Likely pathogenic (3). 1 of the submissions does not count toward it. Last evaluated 2024-03-25.

Conditions:
Charcot-Marie-Tooth disease axonal type 2F (CMT2F). Also called: Charcot-Marie-Tooth Neuropathy Type 2F; CHARCOT-MARIE-TOOTH DISEASE, NEURONAL, TYPE 2F. Identifiers: Orphanet 99940, MedGen C1847823, MONDO:0011687, OMIM 606595.
Neuronopathy, distal hereditary motor, type 2B. Also called: NEURONOPATHY, DISTAL HEREDITARY MOTOR, AUTOSOMAL DOMINANT 3; NEURONOPATHY, DISTAL HEREDITARY MOTOR, HARDING TYPE IIB; NEUROPATHY, DISTAL HEREDITARY MOTOR, HARDING TYPE IIB; HMN IIB. Identifiers: Orphanet 139525, MedGen C2608087, MONDO:0012080, OMIM 608634.
HSPB1-related disorder. Also called: HSPB1-related disorders; HSPB1-related condition.
Charcot-Marie-Tooth disease. Also called: Charcot-Marie-Tooth Neuropathy; Charcot-Marie-Tooth Hereditary Neuropathy. Identifiers: Orphanet 166, MedGen C0007959, MONDO:0015626.

Submissions (8):

Labcorp Genetics (formerly Invitae), Labcorp
Classification: Pathogenic for Charcot-Marie-Tooth disease axonal type 2F. Last evaluated: 2024-03-25. Review status: criteria provided, single submitter. Criteria: Invitae Variant Classification Sherloc (09022015). Collection method: clinical testing. Allele origin: germline.
Comment: This sequence change replaces glycine, which is neutral and non-polar, with arginine, which is basic and polar, at codon 84 of the HSPB1 protein (p.Gly84Arg). This variant is not present in population databases (gnomAD no frequency). This missense change has been observed in individuals with autosomal dominant HSPB1-related conditions (PMID: 18344398, 18832141, 21892769, 25429913). This variant has been reported in individual(s) with autosomal recessive Charcot-Marie-Tooth disease (PMID: 28379183); however, the role of the variant in this condition is currently unclear. ClinVar contains an entry for this variant (Variation ID: 632006). Advanced modeling of protein sequence and biophysical properties (such as structural, functional, and spatial information, amino acid conservation, physicochemical variation, residue mobility, and thermodynamic stability) has been performed at Invitae for this missense variant, however the output from this modeling did not meet the statistical confidence thresholds required to predict the impact of this variant on HSPB1 protein function. Experimental studies have shown that this missense change affects HSPB1 function (PMID: 18344398, 23948568). For these reasons, this variant has been classified as Pathogenic.

Kariminejad - Najmabadi Pathology & Genetics Center
Classification: Pathogenic for Charcot-Marie-Tooth disease axonal type 2F. Last evaluated: 2023-08-19. Review status: criteria provided, single submitter. Criteria: ACMG Guidelines, 2015. Collection method: clinical testing. Allele origin: germline. Inheritance: Autosomal dominant inheritance. Affected: yes.
Comment: PM2 PP3 PM5 PP5 PS1]+PM1

Kariminejad - Najmabadi Pathology & Genetics Center
Classification: Likely pathogenic for Neuronopathy, distal hereditary motor, type 2B. Last evaluated: 2023-07-15. Review status: criteria provided, single submitter. Criteria: ACMG Guidelines, 2015. Collection method: clinical testing. Allele origin: germline. Inheritance: Autosomal dominant inheritance. Affected: yes.
Comment: PM2,PP3,PP5,PS1,PM5?,PS3?

Athena Diagnostics
Classification: Pathogenic. Last evaluated: 2022-05-26. Review status: criteria provided, single submitter. Criteria: Athena Diagnostics Criteria. Collection method: clinical testing. Allele origin: unknown.
Comment: This variant has been identified in at least one individual with clinical features associated with Charcot-Marie-Tooth disease. This variant has not been reported in large, multi-ethnic general populations. This variant results in the same amino acid change as another variant (c.250G>C; p.Gly84Arg) considered to be pathogenic or likely pathogenic, strongly indicating this variant may also cause disease. Assessment of experimental evidence suggests this variant results in abnormal protein function. This variant was found to affect protein stability and decrease chaperone activity compared to wild-type resulting in abnormal cytoplasmic aggregation (PMID: 23948568, 31573509).

MGZ Medical Genetics Center
Classification: Likely pathogenic for Charcot-Marie-Tooth disease axonal type 2F. Last evaluated: 2021-08-11. Review status: criteria provided, single submitter. Criteria: ACMG Guidelines, 2015. Collection method: clinical testing. Allele origin: germline. Affected: yes. Observed: 1 variant allele.
Comment: ACMG criteria applied: PS3, PM2_SUP, PP1, PP3

Institute of Medical Genetics and Applied Genomics, University Hospital Tübingen
Classification: Pathogenic. Last evaluated: 2020-10-23. Review status: criteria provided, single submitter. Criteria: ACMG Guidelines, 2015. Collection method: clinical testing. Allele origin: germline. Inheritance: Unknown mechanism. Affected: yes.

Illumina Laboratory Services, Illumina
Classification: Likely pathogenic for HSPB1-Related Disorders. Last evaluated: 2017-09-05. Review status: criteria provided, single submitter. Criteria: ICSL Variant Classification Criteria 09 May 2019. Collection method: clinical testing. Allele origin: germline.
Comment: The HSPB1 c.250G>A (p.Gly84Arg) missense variant has been reported in two studies and found in a total of three affected individuals, including in a homozygous state in two siblings with distal hereditary motor neuropathy (dHMN) and in a presumed heterozygous state in one individual with Charcot-Marie-Tooth, type 2 (CMT2) (Manganelli et al. 2014; Ho et al. 2017). This variant was also identified in a heterozygous state in both presumably unaffected parents of the homozygous siblings. A second variant at the same nucleotide position, c.250G>C, also results in a p.Gly84Arg amino acid change and has been reported in a total of five individuals, including in a homozygous state in one individual with early onset CMT2, in a heterozygous state in two individuals with dHMN, and in a heterozygous state in the parents of the homozygous individual, both of whom displayed sub-clinical features, (James et al. 2008; Houlden et al. 2008; Fischer et al. 2012). Control data are unavailable for this variant, which is reported at a frequency of 0.000017 in the European (non-Finnish) population of the Genome Aggregation Database, but this is based on one allele in a region of good sequencing coverage so it is presumed to be rare. Expression of the p.Gly84Arg variant in HeLa cells led to abnormal protein aggregation (James et al. 2008), and protein interaction studies revealed that while the p.Gly84Arg variant does not affect neurofilament assembly, it does impact mobility and accessibility of the N-terminal domain, which modifies interdimer contacts in HspB1 oligomers (Nefedova et al. 2013; Nefedova et al. 2017). Based on the collective evidence, the c.250G>A (p.Gly84Arg) variant is classified as likely pathogenic for HSPB1-related disorders. This variant was observed by ICSL as part of a predisposition screen in an ostensibly healthy population.

Inherited Neuropathy Consortium
Classification: Uncertain significance for Charcot-Marie-Tooth disease. Review status: no assertion criteria provided. Collection method: literature only. Allele origin: germline. Affected: yes. Not counted in ClinVar's aggregate classification.

Literature cited by the submitters: PubMed 18344398 (cited by Labcorp Genetics (formerly Invitae), Labcorp and Illumina Laboratory Services, Illumina); PubMed 18832141 (cited by Labcorp Genetics (formerly Invitae), Labcorp and Illumina Laboratory Services, Illumina); PubMed 21892769 (cited by Labcorp Genetics (formerly Invitae), Labcorp and Illumina Laboratory Services, Illumina); PubMed 25429913 (cited by 4 submitters); PubMed 28379183 (cited by 3 submitters); PubMed 23948568 (cited by 3 submitters); PubMed 28000086 (cited by Athena Diagnostics and Illumina Laboratory Services, Illumina); PubMed 31573509 (cited by Athena Diagnostics).